The following is an entry in ClinVar:

NM_182914.3(SYNE2):c.16573C>A (p.Gln5525Lys)

Gene: SYNE2 (spectrin repeat containing nuclear envelope protein 2; plus strand). Cytogenetic location: 14q23.2.
Variant type: single nucleotide variant.
Coding change: c.16573C>A on transcript NM_182914.3 (MANE Select); coding-DNA position 16573, C replaced by A.
Protein change: p.Gln5525Lys; replaces glutamine 5525 with lysine.
Molecular consequence: missense variant.
Genome position (GRCh38, 1-based): chr14:64,165,378, C>A. VCF-style: chr14-64165378-C-A. GRCh37 (hg19) VCF-style: chr14-64632096-C-A.
Other names: c.16573C>A, p.Gln5525Lys (NM_015180.6); short protein forms Q5525K.
Identifiers: ClinVar variation 2071691 (VCV002071691.4), dbSNP rs200509927, ClinGen allele CA7223412.

ClinVar aggregate classification (germline): Uncertain significance (1 of 4 stars; one submission).

Conditions:
Emery-Dreifuss muscular dystrophy 5, autosomal dominant (EDMD5). Also called: EMERY-DREIFUSS MUSCULAR DYSTROPHY 5. Identifiers: Orphanet 261, MedGen C2751805, MONDO:0013072, OMIM 612999.

Allele frequency attached by ClinVar (database versions not stated): TOPMed below 0.00001; ExAC 0.00003; gnomAD exomes 0.00003; gnomAD 0.00005.
gnomAD v4.1: 56 of 1,613,618 alleles (0.0035%); highest among the groups gnomAD compares: South Asian, 0.055%; 1 homozygote.

Submission:

Labcorp Genetics (formerly Invitae), Labcorp
Classification: Uncertain significance for Emery-Dreifuss muscular dystrophy 5, autosomal dominant. Last evaluated: 2022-09-20. Review status: criteria provided, single submitter. Criteria: Invitae Variant Classification Sherloc (09022015). Collection method: clinical testing. Allele origin: germline.
Comment: This variant is present in population databases (rs200509927, gnomAD 0.03%). This sequence change replaces glutamine, which is neutral and polar, with lysine, which is basic and polar, at codon 5525 of the SYNE2 protein (p.Gln5525Lys). This variant has not been reported in the literature in individuals affected with SYNE2-related conditions. In summary, the available evidence is currently insufficient to determine the role of this variant in disease. Therefore, it has been classified as a Variant of Uncertain Significance. Algorithms developed to predict the effect of missense changes on protein structure and function (SIFT, PolyPhen-2, Align-GVGD) all suggest that this variant is likely to be tolerated.